The following is an entry in ClinVar:

ClinVar aggregate classification (germline): Uncertain significance (1 of 4 stars; one submission).

Submission:

Ambry Genetics
Classification: Uncertain significance. Last evaluated: 2022-09-09. Review status: criteria provided, single submitter. Criteria: Ambry Variant Classification Scheme 2023. Collection method: clinical testing. Allele origin: germline.
Comment: The p.R79L variant (also known as c.236G>T), located in coding exon 3 of the PRKDC gene, results from a G to T substitution at nucleotide position 236. The arginine at codon 79 is replaced by leucine, an amino acid with dissimilar properties. This amino acid position is conserved. In addition, the in silico prediction for this alteration is inconclusive. Since supporting evidence is limited at this time, the clinical significance of this alteration remains unclear.

NM_006904.7(PRKDC):c.236G>T (p.Arg79Leu)

Gene: PRKDC (protein kinase, DNA-activated, catalytic subunit; minus strand). Cytogenetic location: 8q11.21.
Variant type: single nucleotide variant.
Coding change: c.236G>T on transcript NM_006904.7 (MANE Select); coding-DNA position 236, G replaced by T.
Protein change: p.Arg79Leu; replaces arginine 79 with leucine.
Molecular consequence: missense variant.
Genome position (GRCh38, 1-based): chr8:47,957,259, C>A on the plus strand (G>T on the coding strand, the complement: PRKDC is on the minus strand). VCF-style: chr8-47957259-C-A. GRCh37 (hg19) VCF-style: chr8-48869819-C-A.
Other names: c.236G>T, p.Arg79Leu (NM_001081640.2); short protein forms R79L.
Identifiers: ClinVar variation 1790278 (VCV001790278.2), dbSNP rs1050691333, ClinGen allele CA371141275.
Genomic context (GRCh38, chr8:47,957,259, plus strand): 5'-TTCTGGCCCATTTTTTCTAAGAAAATACATAAAAACTTTAGGATTTCTTCTCTACATTCA[C>A]GAAACTGTAATGAAAGAGATACATATTGTAAATATGGGTAAGAGGAGTCACTCCAGGAAT-3'
Protein context (NP_008835.5, residues 69-89): VRKSLNSIEF[Arg79Leu]ECREEILKFL